The following is an entry in ClinVar:

NM_003000.3(SDHB):c.487T>C (p.Ser163Pro)

Gene: SDHB (succinate dehydrogenase complex iron sulfur subunit B; minus strand). Cytogenetic location: 1p36.13.
Variant type: single nucleotide variant.
Coding change: c.487T>C on transcript NM_003000.3 (MANE Select); coding-DNA position 487, T replaced by C.
Protein change: p.Ser163Pro; replaces serine 163 with proline.
Molecular consequence: missense variant.
Genome position (GRCh38, 1-based): chr1:17,027,802, A>G on the plus strand (T>C on the coding strand, the complement: SDHB is on the minus strand). VCF-style: chr1-17027802-A-G. GRCh37 (hg19) VCF-style: chr1-17354297-A-G.
Other names: p.S163P:TCT>CCT; short protein forms S163P.
Identifiers: ClinVar variation 12792 (VCV000012792.99), dbSNP rs33927012, ClinGen allele CA015910.

ClinVar aggregate classification (germline): Conflicting classifications of pathogenicity. Review status: criteria provided, conflicting classifications (1 of 4 stars). 33 submissions from 32 submitters: Uncertain significance (3); Benign (19); Likely benign (2). 9 of the submissions do not count toward it. Last evaluated 2026-09-01.

Conditions:
Pheochromocytoma/paraganglioma syndrome 4. Also called: SDHB-Related Hereditary Paraganglioma-Pheochromocytoma Syndrome; CAROTID BODY TUMORS AND MULTIPLE EXTRAADRENAL PHEOCHROMOCYTOMAS; Paragangliomas 4; PARAGANGLIOMA, FAMILIAL MALIGNANT; PARAGANGLIOMAS, HEREDITARY EXTRAADRENAL; PHEOCHROMOCYTOMA, FAMILIAL EXTRAADRENAL. Identifiers: Orphanet 29072, MedGen C1861848, MONDO:0007273, OMIM 115310.
Gastrointestinal stromal tumor. Also called: Gastrointestinal stroma tumor; Gastrointestinal stromal tumor, somatic. Identifiers: Orphanet 44890, MedGen C0238198, MeSH D046152, MONDO:0011719, OMIM 606764, HP:0100723.
Pheochromocytoma. Also called: MAX-Related Hereditary Paraganglioma-Pheochromocytoma Syndrome. Identifiers: Orphanet 29072, MedGen C0031511, MONDO:0008233, OMIM 171300, HP:0002666.
Cowden syndrome (CS). Also called: Cowden's disease; Cowden's syndrome; Cowden disease. Identifiers: Orphanet 201, MedGen C0018553, MONDO:0016063. Disease mechanism: gain of function.
Hereditary cancer-predisposing syndrome. Also called: Hereditary neoplastic syndrome; Hereditary Cancer Syndrome; Neoplastic Syndromes, Hereditary; Tumor predisposition. Identifiers: Orphanet 140162, MedGen C0027672, MeSH D009386, MONDO:0015356.
Hereditary pheochromocytoma and paraganglioma. Also called: Hereditary pheochromocytoma-paraganglioma; Hereditary paragangliomas and pheochromocytomas; Hereditary Paraganglioma-Pheochromocytoma Syndromes. Identifiers: Orphanet 29072, MedGen C4274332, MONDO:0017366.
Carney-Stratakis syndrome. Also called: PARAGANGLIOMA AND GASTROINTESTINAL STROMAL TUMOR. Identifiers: Orphanet 97286, MedGen C1847319, MONDO:0011740, OMIM 606864.
Malignant tumor of breast. Also called: Malignant breast neoplasm; Cancer breast. Identifiers: MedGen C0006142, MONDO:0007254. Disease mechanism: loss of function.

Allele frequency attached by ClinVar (database versions not stated): gnomAD exomes 0.01211 and 0.01360; TOPMed 0.00751; gnomAD 0.00921 and 0.00954; 1000 Genomes Project 30x 0.00921; 1000 Genomes Project 0.00938; ExAC 0.01254.
gnomAD v4.1: 21,159 of 1,613,448 alleles (1.3%); highest among the groups gnomAD compares: South Asian, 1.8%; 207 homozygotes.

Submissions 1 to 21 of 33:

CeGaT Center for Human Genetics Tuebingen
Classification: Benign. Last evaluated: 2026-09-01. Review status: criteria provided, single submitter. Criteria: CeGaT Center For Human Genetics Tuebingen Variant Classification Criteria Version 2. Collection method: clinical testing. Allele origin: germline. Affected: yes. Observed: 222 variant alleles.
Comment: SDHB: BS1, BS2

Labcorp Genetics (formerly Invitae), Labcorp
Classification: Benign for Gastrointestinal stromal tumor; Pheochromocytoma/paraganglioma syndrome 4; Pheochromocytoma. Last evaluated: 2026-02-04. Review status: criteria provided, single submitter. Criteria: Invitae Variant Classification Sherloc (09022015). Collection method: clinical testing. Allele origin: germline.

ARUP Laboratories, Molecular Genetics and Genomics, ARUP Laboratories
Classification: Benign. Last evaluated: 2025-03-04. Review status: criteria provided, single submitter. Criteria: ARUP Molecular Germline Variant Investigation Process 2024. Collection method: clinical testing. Allele origin: germline.

Center for Genomic Medicine, Rigshospitalet, Copenhagen University Hospital
Classification: Benign. Last evaluated: 2025-03-04. Review status: criteria provided, single submitter. Criteria: ACMG Guidelines, 2015. Collection method: clinical testing. Allele origin: germline.

Blueprint Genetics
Classification: Likely benign. Last evaluated: 2024-11-25. Review status: criteria provided, single submitter. Criteria: ACMG Guidelines, 2015. Collection method: clinical testing. Allele origin: germline.

Athena Diagnostics
Classification: Benign. Last evaluated: 2024-09-23. Review status: criteria provided, single submitter. Criteria: Athena Diagnostics Criteria. Collection method: clinical testing. Allele origin: unknown.

Mayo Clinic Laboratories, Mayo Clinic
Classification: Benign. Last evaluated: 2023-12-26. Review status: criteria provided, single submitter. Criteria: ACMG Guidelines, 2015. Collection method: clinical testing. Allele origin: germline. Observed: 15 variant alleles.
Comment: BS1, BS2

Myriad Genetics, Inc.
Classification: Benign for Pheochromocytoma/paraganglioma syndrome 4. Last evaluated: 2023-04-24. Review status: criteria provided, single submitter. Criteria: Myriad Autosomal Dominant, Autosomal Recessive and X-Linked Classification Criteria (2023). Collection method: clinical testing. Allele origin: unknown.
Comment: This variant is considered benign. This variant has been observed at a population frequency that is significantly greater than expected given the associated disease prevalence and penetrance.

Color Diagnostics, LLC DBA Color Health
Classification: Benign for Hereditary pheochromocytoma and paraganglioma. Last evaluated: 2022-06-09. Review status: criteria provided, single submitter. Criteria: ACMG Guidelines, 2015. Collection method: clinical testing. Allele origin: germline.

Institute for Clinical Genetics, University Hospital TU Dresden, University Hospital TU Dresden
Classification: Uncertain significance. Last evaluated: 2021-11-03. Review status: criteria provided, single submitter. Criteria: ACMG Guidelines, 2015. Collection method: clinical testing. Allele origin: germline.

Department of Pathology and Laboratory Medicine, Sinai Health System
Classification: Benign for Gastrointestinal stromal tumor. Last evaluated: 2021-06-22. Review status: criteria provided, single submitter. Criteria: ACMG Guidelines, 2015. Collection method: clinical testing. Allele origin: germline. Affected: yes.

Sema4
Classification: Benign for Hereditary cancer-predisposing syndrome. Last evaluated: 2020-09-11. Review status: criteria provided, single submitter. Criteria: Sema4 Curation Guidelines. Collection method: curation. Allele origin: germline.

Mendelics
Classification: Likely benign for Gastrointestinal stromal tumor. Last evaluated: 2019-05-28. Review status: criteria provided, single submitter. Criteria: Mendelics Assertion Criteria 2017. Collection method: clinical testing. Allele origin: unknown.

Equipe Genetique des Anomalies du Developpement, Université de Bourgogne
Classification: Uncertain significance for Pheochromocytoma/paraganglioma syndrome 4. Last evaluated: 2018-11-21. Review status: criteria provided, single submitter. Criteria: ACMG Guidelines, 2015. Collection method: clinical testing. Allele origin: unknown.

GeneDx
Classification: Benign. Last evaluated: 2018-04-10. Review status: criteria provided, single submitter. Criteria: GeneDx Variant Classification Process June 2021. Collection method: clinical testing. Allele origin: germline. Affected: yes.
Comment: This variant is associated with the following publications: (PMID: 19215943, 16322339, 17298551, 16912137, 22995991, 19768395, 22584711, 19802898, 19399650, 22293219, 24735130, 20981092, 27153395, 18678321, 21979946, 25376524, 22938532, 22703879, 25694510, 23666964, 25333069, 24728327, 26071763, 17102082, 17102083, 22270996, 25695889, 17639058, 14985401, 26182300, 18419787, 19153209, 19522823, 19454582, 27279923, 27884173, 26092435, 28374168, 29386252, 30050099, 31019283)

Genetic Services Laboratory, University of Chicago
Classification: Benign. Last evaluated: 2018-04-03. Review status: criteria provided, single submitter. Criteria: ACMG Guidelines, 2015. Collection method: clinical testing. Allele origin: germline. Affected: no.

Illumina Laboratory Services, Illumina
Classification: Benign for Hereditary Paraganglioma-Pheochromocytoma Syndromes. Last evaluated: 2018-03-06. Review status: criteria provided, single submitter. Criteria: ICSL Variant Classification Criteria 13 December 2019. Collection method: clinical testing. Allele origin: germline.
Comment: This variant was observed in the ICSL laboratory as part of a predisposition screen in an ostensibly healthy population. It had not been previously curated by ICSL or reported in the Human Gene Mutation Database (HGMD: prior to June 1st, 2018), and was therefore a candidate for classification through an automated scoring system. Utilizing variant allele frequency, disease prevalence and penetrance estimates, and inheritance mode, an automated score was calculated to assess if this variant is too frequent to cause the disease. Based on the score and internal cut-off values, a variant classified as benign is not then subjected to further curation. The score for this variant resulted in a classification of benign for this disease.

Illumina Laboratory Services, Illumina
Classification: Benign for Carney-Stratakis syndrome. Last evaluated: 2018-03-06. Review status: criteria provided, single submitter. Criteria: ICSL Variant Classification Criteria 13 December 2019. Collection method: clinical testing. Allele origin: germline.
Comment: the same text as in the submission from Illumina Laboratory Services, Illumina above.

Women's Health and Genetics/Laboratory Corporation of America, LabCorp
Classification: Benign. Last evaluated: 2017-05-08. Review status: criteria provided, single submitter. Criteria: LabCorp Variant Classification Summary - May 2015. Collection method: clinical testing. Allele origin: germline.
Comment: Variant summary: The SDHB c.487T>C (p.Ser163Pro) variant involves the alteration of a conserved nucleotide. 2/4 in silico tools predict a benign outcome for this variant (SNPsandGO not captured due to low reliability index). This variant was found in 1523/121404 control chromosomes (21 homozygotes) at a frequency of 0.0125449, which largely exceeds the estimated maximal expected allele frequency of a pathogenic SDHB variant (0.0000009), suggesting this variant is likely a benign polymorphism. In addition, multiple clinical diagnostic laboratories/reputable databases classified this variant as benign. Taken together, this variant is classified as benign.

Eurofins Ntd Llc (ga)
Classification: Benign. Last evaluated: 2016-11-16. Review status: criteria provided, single submitter. Criteria: EGL Classification Definitions 2015. Collection method: clinical testing. Allele origin: germline. Observed: 1 variant allele, 1 heterozygote.

Center for Human Genetics, Inc
Classification: Uncertain significance for Pheochromocytoma/paraganglioma syndrome 4. Last evaluated: 2016-11-01. Review status: criteria provided, single submitter. Criteria: ACMG Guidelines, 2015. Collection method: clinical testing. Allele origin: germline. Affected: yes.